The following is an entry in ClinVar:

ClinVar aggregate classification (germline): Uncertain significance. Review status: criteria provided, multiple submitters, no conflicts (2 of 4 stars). 4 submissions from 3 submitters: Uncertain significance (4). Last evaluated 2023-02-08.

Conditions:
Amyotrophic lateral sclerosis type 4 (ALS4). Also called: AMYOTROPHIC LATERAL SCLEROSIS 4, JUVENILE; NEURONOPATHY, DISTAL HEREDITARY MOTOR, WITH PYRAMIDAL FEATURES. Identifiers: Orphanet 357043, MedGen C1865409, MONDO:0011223, OMIM 602433.
Spinocerebellar ataxia, autosomal recessive, with axonal neuropathy 2 (SCAN2). Also called: ATAXIA-OCULOMOTOR APRAXIA 2; Ataxia-ocular apraxia-2; Ataxia with Oculomotor Apraxia; Ataxia with Oculomotor Apraxia Type 2. Identifiers: Orphanet 64753, MedGen C1853761, MONDO:0018996, OMIM 606002.

Allele frequency attached by ClinVar (database versions not stated): gnomAD exomes below 0.00001.
gnomAD v4.1: 9 of 1,614,110 alleles (0.00056%); highest among the groups gnomAD compares: Non-Finnish European, 0.00059%; no homozygotes.

Submissions (4):

Genome-Nilou Lab
Classification: Uncertain significance for Spinocerebellar ataxia, autosomal recessive, with axonal neuropathy 2. Last evaluated: 2023-02-08. Review status: criteria provided, single submitter. Criteria: ACMG Guidelines, 2015. Collection method: clinical testing. Allele origin: germline.

Genome-Nilou Lab
Classification: Uncertain significance for Amyotrophic lateral sclerosis type 4. Last evaluated: 2023-02-08. Review status: criteria provided, single submitter. Criteria: ACMG Guidelines, 2015. Collection method: clinical testing. Allele origin: germline.

Labcorp Genetics (formerly Invitae), Labcorp
Classification: Uncertain significance for Amyotrophic lateral sclerosis type 4; Spinocerebellar ataxia, autosomal recessive, with axonal neuropathy 2. Last evaluated: 2022-05-03. Review status: criteria provided, single submitter. Criteria: Invitae Variant Classification Sherloc (09022015). Collection method: clinical testing. Allele origin: germline.
Comment: In summary, the available evidence is currently insufficient to determine the role of this variant in disease. Therefore, it has been classified as a Variant of Uncertain Significance. Algorithms developed to predict the effect of missense changes on protein structure and function are either unavailable or do not agree on the potential impact of this missense change (SIFT: "Tolerated"; PolyPhen-2: "Possibly Damaging"; Align-GVGD: "Class C0"). ClinVar contains an entry for this variant (Variation ID: 1305857). This variant has not been reported in the literature in individuals affected with SETX-related conditions. This variant is not present in population databases (gnomAD no frequency). This sequence change replaces arginine, which is basic and polar, with lysine, which is basic and polar, at codon 51 of the SETX protein (p.Arg51Lys).

GeneDx
Classification: Uncertain significance. Last evaluated: 2019-02-15. Review status: criteria provided, single submitter. Criteria: GeneDx Variant Classification Process June 2021. Collection method: clinical testing. Allele origin: germline. Affected: yes.
Comment: Not observed in large population cohorts (Lek et al., 2016); In silico analysis, which includes protein predictors and evolutionary conservation, supports that this variant does not alter protein structure/function; Has not been previously published as pathogenic or benign to our knowledge

NM_015046.7(SETX):c.152G>A (p.Arg51Lys)

Gene: SETX (senataxin; minus strand). Cytogenetic location: 9q34.13.
Variant type: single nucleotide variant.
Coding change: c.152G>A on transcript NM_015046.7 (MANE Select); coding-DNA position 152, G replaced by A.
Protein change: p.Arg51Lys; replaces arginine 51 with lysine.
Molecular consequence: missense variant.
Genome position (GRCh38, 1-based): chr9:132,349,277, C>T on the plus strand (G>A on the coding strand, the complement: SETX is on the minus strand). VCF-style: chr9-132349277-C-T. GRCh37 (hg19) VCF-style: chr9-135224664-C-T.
Other names: c.152G>A, p.Arg51Lys (NM_001351527.2, NM_001351528.2); short protein forms R51K.
Identifiers: ClinVar variation 1305857 (VCV001305857.7), dbSNP rs777256092, ClinGen allele CA200838145.